The following is an entry in ClinVar:

ClinVar aggregate classification (germline): Uncertain significance. Review status: criteria provided, multiple submitters, no conflicts (2 of 4 stars). 3 submissions from 3 submitters: Uncertain significance (3). Last evaluated 2026-04-23.

Conditions:
PLXNA2-related disorder. Also called: PLXNA2-related condition.

Allele frequency attached by ClinVar (database versions not stated): gnomAD 0.00009; TOPMed 0.00011; ESP Exome Variant Server 0.00008.
gnomAD v4.1: 90 of 1,614,150 alleles (0.0056%); highest among the groups gnomAD compares: Middle Eastern, 0.016%; no homozygotes.

Submissions (3):

PreventionGenetics, part of Exact Sciences
Classification: Uncertain significance for PLXNA2-related condition. Last evaluated: 2026-04-23. Review status: criteria provided, single submitter. Criteria: ACMG Guidelines, 2015. Collection method: clinical testing. Allele origin: germline.
Comment: The PLXNA2 c.3343C>T variant is predicted to result in the amino acid substitution p.Arg1115Cys. To our knowledge, this variant has not been reported in the literature. This variant is reported in 0.0046% of alleles in individuals of European (non-Finnish) descent in gnomAD. At this time, the clinical significance of this variant is uncertain due to the absence of conclusive functional and genetic evidence.

Ambry Genetics
Classification: Uncertain significance. Last evaluated: 2025-11-20. Review status: criteria provided, single submitter. Criteria: Ambry Variant Classification Scheme 2023. Collection method: clinical testing. Allele origin: germline.

Labcorp Genetics (formerly Invitae), Labcorp
Classification: Uncertain significance. Last evaluated: 2025-03-27. Review status: criteria provided, single submitter. Criteria: Invitae Variant Classification Sherloc (09022015). Collection method: clinical testing. Allele origin: germline.
Comment: This sequence change replaces arginine, which is basic and polar, with cysteine, which is neutral and slightly polar, at codon 1115 of the PLXNA2 protein (p.Arg1115Cys). This variant is present in population databases (rs376838500, gnomAD 0.006%). This variant has not been reported in the literature in individuals affected with PLXNA2-related conditions. ClinVar contains an entry for this variant (Variation ID: 2062608). Invitae Evidence Modeling of protein sequence and biophysical properties (such as structural, functional, and spatial information, amino acid conservation, physicochemical variation, residue mobility, and thermodynamic stability) indicates that this missense variant is not expected to disrupt PLXNA2 protein function with a negative predictive value of 80%. In summary, the available evidence is currently insufficient to determine the role of this variant in disease. Therefore, it has been classified as a Variant of Uncertain Significance.

NM_025179.4(PLXNA2):c.3343C>T (p.Arg1115Cys)

Gene: PLXNA2 (plexin A2; minus strand). Cytogenetic location: 1q32.2.
Variant type: single nucleotide variant.
Coding change: c.3343C>T on transcript NM_025179.4 (MANE Select); coding-DNA position 3343, C replaced by T.
Protein change: p.Arg1115Cys; replaces arginine 1115 with cysteine.
Molecular consequence: missense variant.
Genome position (GRCh38, 1-based): chr1:208,046,030, G>A on the plus strand (C>T on the coding strand, the complement: PLXNA2 is on the minus strand). VCF-style: chr1-208046030-G-A. GRCh37 (hg19) VCF-style: chr1-208219375-G-A.
Other names: c.3343C>T (NM_025179.3); short protein forms R1115C.
Identifiers: ClinVar variation 2062608 (VCV002062608.8), dbSNP rs376838500, ClinGen allele CA1373208.
Genomic context (GRCh38, chr1:208,046,030, plus strand): 5'-TGTCGTTGTAAATTAGCAAGGATTGGACATTGTTAAAGACAAATCCAAACTCATCTGGGC[G>A]TTCCACAGTGTCCAGGCCAGGGCGGTAGTCCGTGGTCAGAGAGGGTGCCAGGCAGGTGAG-3'
Protein context (NP_079455.3, residues 1105-1125): DYRPGLDTVE[Arg1115Cys]PDEFGFVFNN